The following is an entry in ClinVar:

NM_000487.6(ARSA):c.649C>T (p.Gln217Ter)

Gene: ARSA (arylsulfatase A; minus strand). Cytogenetic location: 22q13.33.
Variant type: single nucleotide variant.
Coding change: c.649C>T on transcript NM_000487.6 (MANE Select); coding-DNA position 649, C replaced by T.
Protein change: p.Gln217Ter; replaces glutamine 217 with a stop codon.
Molecular consequence: nonsense.
Genome position (GRCh38, 1-based): chr22:50,626,869, G>A on the plus strand (C>T on the coding strand, the complement: ARSA is on the minus strand). VCF-style: chr22-50626869-G-A. GRCh37 (hg19) VCF-style: chr22-51065297-G-A.
Other names: NP_000478.3:p.(Gln217Ter); c.649C>T, p.Gln217Ter (NM_001085425.3, NM_001085426.3, NM_001085427.3); c.391C>T, p.Gln131Ter (NM_001085428.3, NM_001362782.2); short protein forms Q131*, Q217*.
Identifiers: ClinVar variation 4850942 (VCV004850942.2).

ClinVar aggregate classification (germline): Likely pathogenic (1 of 4 stars; one submission).

Conditions:
Metachromatic leukodystrophy (MLD). Also called: ARSA DEFICIENCY; CEREBROSIDE SULFATASE DEFICIENCY; METACHROMATIC LEUKOENCEPHALOPATHY; Cerebral sclerosis diffuse metachromatic form; Arylsulfatase A Deficiency; SULFATIDE LIPIDOSIS. Identifiers: Orphanet 512, MedGen C0023522, MONDO:0018868, OMIM 250100.

gnomAD v4.1: 1 of 1,613,436 alleles (0.000062%); highest among the groups gnomAD compares: Non-Finnish European, 0.000085%; no homozygotes.

Submission:

Laboratory of Experimental Gene Therapy of Hereditary Metabolic Diseases, Research Centre for Medical Genetics
Classification: Likely pathogenic for Metachromatic leukodystrophy. Last evaluated: 2026-09-17. Review status: criteria provided, single submitter. Criteria: ARSA MLD Assertion Criteria V2 2026 09 18. Collection method: clinical testing. Allele origin: germline. Inheritance: Autosomal recessive inheritance. Affected: yes. Observed: 1 variant allele, 1 compound heterozygote.
Comment: The previously reported Likely pathogenic classification was reviewed and retained for the accompanying study. Observations from the present referral series were not used to establish pathogenicity.